The following is an entry in ClinVar:

ClinVar aggregate classification (germline): Likely pathogenic (1 of 4 stars; one submission).

Submission:

GeneDx
Classification: Likely pathogenic. Last evaluated: 2019-01-15. Review status: criteria provided, single submitter. Criteria: GeneDx Variant Classification (06012015). Collection method: clinical testing. Allele origin: germline. Affected: yes.
Comment: The c.9317_9336del20 variant in the EYS gene has not been reported previously as a pathogenic variant nor as a benign variant, to our knowledge. The c.9317_9336del20 variant causes a frameshift starting with codon Threonine 3106, changes this amino acid to a Lysine residue, and creates a premature Stop codon at position 13 of the new reading frame, denoted p.Thr3106LysfsX13. This variant is predicted to cause loss of normal protein function through protein truncation, as the last 39 amino acids are lost and replaced with 12 incorrect amino acids. The c.9317_9336del20 variant is observed in 2/14976 (0.013%) alleles from individuals of non-Finnish European background in large population cohorts (Lek et al., 2016). We interpret c.9317_9336del20 as a likely pathogenic variant.

NM_001142800.2(EYS):c.9380_9399del (p.Ile3127fs)

Genes: EYS (eyes shut homolog; minus strand), PHF3 (PHD finger protein 3; plus strand). Cytogenetic location: 6q12.
Variant type: Deletion.
Coding change: c.9380_9399del on transcript NM_001142800.2 (MANE Select); coding-DNA positions 9380 to 9399, 20 bases deleted (TTAAATTAGAAGGATACAAT).
Protein change: p.Ile3127fs; shifts the reading frame from isoleucine 3127.
Molecular consequence: frameshift variant. On other transcripts: 3 prime UTR variant (5).
Genome position (GRCh38, 1-based): chr6:63,720,632-63,720,651, ATTGTATCCTTCTAATTTAA deleted on the plus strand (TTAAATTAGAAGGATACAAT on the coding strand, the reverse complement: EYS is on the minus strand). VCF-style (leftmost placement, unchanged base first): chr6-63720631-CATTGTATCCTTCTAATTTAA-C. GRCh37 (hg19) VCF-style: chr6-64430527-CATTGTATCCTTCTAATTTAA-C.
Other names: c.*6924_*6943del (NM_001290259.2, NM_001370348.2, NM_001370349.2 and 2 more transcripts); c.9443_9462del, p.Ile3148fs (NM_001292009.2); short protein forms I3148fs, I3127fs.
Identifiers: ClinVar variation 817982 (VCV000817982.1), dbSNP rs1582139086, ClinGen allele CA915944315.